The following is an entry in ClinVar:

ClinVar aggregate classification (germline): Likely benign (1 of 4 stars; one submission).

Submission:

CeGaT Center for Human Genetics Tuebingen
Classification: Likely benign. Last evaluated: 2026-06-01. Review status: criteria provided, single submitter. Criteria: CeGaT Center For Human Genetics Tuebingen Variant Classification Criteria Version 2. Collection method: clinical testing. Allele origin: germline. Affected: yes. Observed: 1 variant allele.
Comment: CSTF2T: PM2:Supporting, BP4, BP7

NM_015235.3(CSTF2T):c.1131A>T (p.Ser377=)

Genes: CSTF2T (cleavage stimulation factor subunit 2 tau variant; minus strand), PRKG1 (protein kinase cGMP-dependent 1; plus strand). Cytogenetic location: 10q21.1.
Variant type: single nucleotide variant.
Coding change: c.1131A>T on transcript NM_015235.3 (MANE Select); coding-DNA position 1131, A replaced by T.
Protein change: p.Ser377=; no amino-acid change (serine 377 retained).
Molecular consequence: synonymous variant. On other transcripts: intron variant (3).
Genome position (GRCh38, 1-based): chr10:51,698,419, T>A on the plus strand (A>T on the coding strand, the complement: CSTF2T is on the minus strand). VCF-style: chr10-51698419-T-A. GRCh37 (hg19) VCF-style: chr10-53458179-T-A.
Other names: c.548-106166T>A (NM_001098512.3); c.593-106166T>A (NM_006258.4, NM_001374782.1).
Identifiers: ClinVar variation 4873170 (VCV004873170.2).